The following is an entry in ClinVar:

ClinVar aggregate classification (germline): Uncertain significance (1 of 4 stars; one submission).

Conditions:
Cardiovascular phenotype. Identifiers: MedGen CN230736.

Allele frequency attached by ClinVar (database versions not stated): gnomAD exomes below 0.00001.
gnomAD v4.1: 1 of 1,614,186 alleles (0.000062%); highest among the groups gnomAD compares: Non-Finnish European, 0.000085%; no homozygotes.

Submission:

Ambry Genetics
Classification: Uncertain significance for Cardiovascular phenotype. Last evaluated: 2024-08-07. Review status: criteria provided, single submitter. Criteria: Ambry Variant Classification Scheme 2023. Collection method: clinical testing. Allele origin: germline.
Comment: The p.D1471A variant (also known as c.4412A>C), located in coding exon 23 of the DSP gene, results from an A to C substitution at nucleotide position 4412. The aspartic acid at codon 1471 is replaced by alanine, an amino acid with dissimilar properties. This amino acid position is conserved. In addition, the in silico prediction for this alteration is inconclusive. Based on the available evidence, the clinical significance of this variant remains unclear.

NM_004415.4(DSP):c.4412A>C (p.Asp1471Ala)

Gene: DSP (desmoplakin; plus strand). Cytogenetic location: 6p24.3.
Variant type: single nucleotide variant.
Coding change: c.4412A>C on transcript NM_004415.4 (MANE Select); coding-DNA position 4412, A replaced by C.
Protein change: p.Asp1471Ala; replaces aspartic acid 1471 with alanine.
Molecular consequence: missense variant. On other transcripts: intron variant (2).
Genome position (GRCh38, 1-based): chr6:7,580,602, A>C. VCF-style: chr6-7580602-A-C. GRCh37 (hg19) VCF-style: chr6-7580835-A-C.
Other names: c.4050+362A>C (NM_001319034.2); c.3582+830A>C (NM_001008844.3); short protein forms D1471A.
Identifiers: ClinVar variation 2607088 (VCV002607088.3), dbSNP rs2533928597, ClinGen allele CA362686254.